The following is an entry in ClinVar:

ClinVar aggregate classification (germline): Uncertain significance (1 of 4 stars; one submission).

Conditions:
Noonan syndrome 9 (NS9). Identifiers: Orphanet 648, MedGen C4225282, MONDO:0014691, OMIM 616559.

gnomAD v4.1: 1 of 1,614,160 alleles (0.000062%); no homozygotes.

Submission:

Labcorp Genetics (formerly Invitae), Labcorp
Classification: Uncertain significance for Noonan syndrome 9. Last evaluated: 2021-11-14. Review status: criteria provided, single submitter. Criteria: Invitae Variant Classification Sherloc (09022015). Collection method: clinical testing. Allele origin: germline.
Comment: In summary, the available evidence is currently insufficient to determine the role of this variant in disease. Therefore, it has been classified as a Variant of Uncertain Significance. Advanced modeling of protein sequence and biophysical properties (such as structural, functional, and spatial information, amino acid conservation, physicochemical variation, residue mobility, and thermodynamic stability) performed at Invitae indicates that this missense variant is not expected to disrupt SOS2 protein function. This variant has not been reported in the literature in individuals affected with SOS2-related conditions. This variant is not present in population databases (gnomAD no frequency). This sequence change replaces proline, which is neutral and non-polar, with leucine, which is neutral and non-polar, at codon 1262 of the SOS2 protein (p.Pro1262Leu).

NM_006939.4(SOS2):c.3785C>T (p.Pro1262Leu)

Gene: SOS2 (SOS Ras/Rho guanine nucleotide exchange factor 2; minus strand). Cytogenetic location: 14q21.3.
Variant type: single nucleotide variant.
Coding change: c.3785C>T on transcript NM_006939.4 (MANE Select); coding-DNA position 3785, C replaced by T.
Protein change: p.Pro1262Leu; replaces proline 1262 with leucine.
Molecular consequence: missense variant.
Genome position (GRCh38, 1-based): chr14:50,118,558, G>A on the plus strand (C>T on the coding strand, the complement: SOS2 is on the minus strand). VCF-style: chr14-50118558-G-A. GRCh37 (hg19) VCF-style: chr14-50585276-G-A.
Other names: short protein forms P1262L.
Identifiers: ClinVar variation 1415196 (VCV001415196.6), dbSNP rs2139464111, ClinGen allele CA389637784.
Genomic context (GRCh38, chr14:50,118,558, plus strand): 5'-TTCTGACTAGAACTGAGCACATAGCATCGACGCGGTACCCTTGGAGAGGGTGTGCTAGGA[G>A]GAGTGCTTGGCGAATTTGGACACGTACTAATGTCTCTGAGCCAGTCTGAATCTCTGTGAA-3'
Protein context (NP_008870.2, residues 1252-1272): ISTCPNSPST[Pro1262Leu]PSTPSPRVPR